The following is an entry in ClinVar:

ClinVar aggregate classification (germline): Uncertain significance (1 of 4 stars; one submission).

Submission:

Labcorp Genetics (formerly Invitae), Labcorp
Classification: Uncertain significance. Last evaluated: 2025-05-02. Review status: criteria provided, single submitter. Criteria: Invitae Variant Classification Sherloc (09022015). Collection method: clinical testing. Allele origin: germline.
Comment: This sequence change falls in intron 16 of the MYO5B gene. It does not directly change the encoded amino acid sequence of the MYO5B protein. It affects a nucleotide within the consensus splice site. This variant is not present in population databases (gnomAD no frequency). This variant has not been reported in the literature in individuals affected with MYO5B-related conditions. Variants that disrupt the consensus splice site are a relatively common cause of aberrant splicing (PMID: 17576681, 9536098). Algorithms developed to predict the effect of sequence changes on RNA splicing suggest that this variant may disrupt the consensus splice site. In summary, the available evidence is currently insufficient to determine the role of this variant in disease. Therefore, it has been classified as a Variant of Uncertain Significance.

Literature cited by the submitters: PubMed 17576681; PubMed 9536098.

NM_001080467.3(MYO5B):c.2003+5G>A

Gene: MYO5B (myosin VB; minus strand). Cytogenetic location: 18q21.1.
Variant type: single nucleotide variant.
Coding change: c.2003+5G>A on transcript NM_001080467.3 (MANE Select); 5 bases into the intron after coding-DNA position 2003, G replaced by A.
Molecular consequence: intron variant.
Genome position (GRCh38, 1-based): chr18:49,936,247, C>T on the plus strand (G>A on the coding strand, the complement: MYO5B is on the minus strand). VCF-style: chr18-49936247-C-T. GRCh37 (hg19) VCF-style: chr18-47462617-C-T.
Identifiers: ClinVar variation 4718839 (VCV004718839.1).